The following is an entry in ClinVar:

ClinVar aggregate classification (germline): Uncertain significance (1 of 4 stars; one submission).

Allele frequency attached by ClinVar (database versions not stated): gnomAD exomes below 0.00001; gnomAD 0.00002; TOPMed 0.00002.
gnomAD v4.1: 5 of 1,613,034 alleles (0.00031%); highest among the groups gnomAD compares: African/African-American, 0.0053%; no homozygotes.

Submission:

GeneDx
Classification: Uncertain significance. Last evaluated: 2017-04-03. Review status: criteria provided, single submitter. Criteria: GeneDx Variant Classification (06012015). Collection method: clinical testing. Allele origin: germline. Affected: yes.
Comment: Missense variants in the TTN gene are considered 'unclassified' if they are not previously reported in the literature and do not have >1% frequency in the population to be considered a polymorphism. Research indicates that truncating variants in the TTN gene are expected to account for approximately 25% of familial and 18% of sporadic idiopathic DCM; however, truncating variants in the TTN gene have been reported in approximately 3% of reported control alleles. There has been little investigation into non-truncating variants. (Herman D et al. Truncations of titin causing dilated cardiomyopathy. N Eng J Med 366:619-628, 2012) Therefore, based on the currently available information, it is unclear whether this variant is a pathogenic variant or a rare benign variant.

NM_001267550.2(TTN):c.60606C>G (p.Ser20202Arg)

Genes: TTN (titin; minus strand), TTN-AS1 (TTN antisense RNA 1; plus strand). Cytogenetic location: 2q31.2.
Variant type: single nucleotide variant.
Coding change: c.60606C>G on transcript NM_001267550.2 (MANE Select); coding-DNA position 60606, C replaced by G.
Protein change: p.Ser20202Arg; replaces serine 20202 with arginine.
Molecular consequence: missense variant.
Genome position (GRCh38, 1-based): chr2:178,591,119, G>C on the plus strand (C>G on the coding strand, the complement: TTN is on the minus strand). VCF-style: chr2-178591119-G-C. GRCh37 (hg19) VCF-style: chr2-179455846-G-C.
Other names: p.S18561R:AGC>AGG; c.55683C>G, p.Ser18561Arg (NM_001256850.1); c.33411C>G, p.Ser11137Arg (NM_003319.4); c.52902C>G, p.Ser17634Arg (NM_133378.4); c.33786C>G, p.Ser11262Arg (NM_133432.3); c.33987C>G, p.Ser11329Arg (NM_133437.4); short protein forms S18561R, S20202R, S11137R, S11329R, S11262R, S17634R.
Identifiers: ClinVar variation 202753 (VCV000202753.2), dbSNP rs794729468, ClinGen allele CA310179.